The following is an entry in ClinVar:

NM_000545.8(HNF1A):c.155_156delinsCT (p.Gly52Ala)

Gene: HNF1A (HNF1 homeobox A; plus strand). Cytogenetic location: 12q24.31.
Variant type: Indel.
Coding change: c.155_156delinsCT on transcript NM_000545.8 (MANE Select); coding-DNA positions 155 to 156, GC replaced by CT.
Protein change: p.Gly52Ala; replaces glycine 52 with alanine.
Molecular consequence: missense variant.
Genome position (GRCh38, 1-based): chr12:120,978,923-120,978,924, GC replaced by CT. VCF-style: chr12-120978923-GC-CT. GRCh37 (hg19) VCF-style: chr12-121416726-GC-CT.
Other names: NM_000545.8(HNF1A):c.155_156delinsCT; p.Gly52Ala; c.155_156delGCinsCT (NM_000545.5); c.155_156delinsCT, p.Gly52Ala (NM_001306179.2); c.155_156delinsCT (NM_000545.6); short protein forms G52A.
Identifiers: ClinVar variation 134503 (VCV000134503.24), dbSNP rs587778393, ClinGen allele CA159995.

ClinVar aggregate classification (germline): Benign. Review status: reviewed by expert panel (3 of 4 stars). 9 submissions from 9 submitters: Benign (1). 8 of the submissions do not count toward it. Last evaluated 2022-05-02.

Conditions:
Monogenic diabetes. Identifiers: Orphanet 183625, MedGen C3888631, MONDO:0015967.
HNF1A-related disorder. Also called: HNF1A-related condition.
Maturity-onset diabetes of the young (MODY). Also called: Maturity onset diabetes mellitus in young. Identifiers: Orphanet 552, MedGen C0342276, MONDO:0018911, HP:0004904.

Submissions (9):

ClinGen Monogenic Diabetes Variant Curation Expert Panel
Classification: Benign for Monogenic diabetes. Last evaluated: 2022-05-02. Review status: reviewed by expert panel. Criteria: ClinGen Diabetes ACMG Specifications v1 1. Collection method: curation. Allele origin: germline. Inheritance: Autosomal dominant inheritance.
Comment: The c.155_156delinsCT variant in the HNF1 homeobox A gene, HNF1A, causes an amino acid change of Glycine to Alanine at codon 52 (p.(Gly52Ala)) of transcript NM_000545.8. This variant has a Popmax Filtering allele frequency in gnomAD 2.1.1 of 0.0024, which is greater than the MDEP threshold for BA1 (greater than or equal to 0.0001) (BA1). In summary, c.155_156delinsCT meets the criteria to be classified as benign for monogenic diabetes. ACMG/AMP criteria applied, as specified by the ClinGen MDEP (specification version 1.1, approved 9/30/2021): BA1.

Labcorp Genetics (formerly Invitae), Labcorp
Classification: Likely benign. Last evaluated: 2025-12-25. Review status: criteria provided, single submitter. Criteria: Invitae Variant Classification Sherloc (09022015). Collection method: clinical testing. Allele origin: germline. Not counted in ClinVar's aggregate classification.

Women's Health and Genetics/Laboratory Corporation of America, LabCorp
Classification: Likely benign. Last evaluated: 2024-03-14. Review status: criteria provided, single submitter. Criteria: LabCorp Variant Classification Summary - May 2015. Collection method: clinical testing. Allele origin: germline. Not counted in ClinVar's aggregate classification.
Comment: Variant summary: HNF1A c.155_156delinsCT (p.Gly52Ala) results in a non-conservative amino acid change in the encoded protein sequence. Four of five in-silico tools predict a benign effect of the variant on protein function. The variant allele was found at a frequency of 0.00027 in 269658 control chromosomes. The observed variant frequency is approximately 11 fold of the estimated maximal expected allele frequency for a pathogenic variant in HNF1A causing Maturity Onset Diabetes Of The Young 3 phenotype (2.5e-05), strongly suggesting that the variant is benign. c.155_156delinsCT has been reported in the literature in individuals affected with Maturity Onset Diabetes Of The Young 3 (Elbein_2000, Bennett_2014) without evidence for causality. To our knowledge, no experimental evidence demonstrating an impact on protein function has been reported. The following publications have been ascertained in the context of this evaluation (PMID: 10690959, 25555642). ClinVar contains an entry for this variant (Variation ID: 134503). Based on the evidence outlined above, the variant was classified as likely benign.

GeneDx
Classification: Likely benign. Last evaluated: 2020-12-15. Review status: criteria provided, single submitter. Criteria: GeneDx Variant Classification Process June 2021. Collection method: clinical testing. Allele origin: germline. Affected: yes. Not counted in ClinVar's aggregate classification.
Comment: This variant is associated with the following publications: (PMID: 10690959, 25555642, 23348805, 24728327)

Genetic Services Laboratory, University of Chicago
Classification: Uncertain significance. Last evaluated: 2017-11-22. Review status: criteria provided, single submitter. Criteria: ACMG Guidelines, 2015. Collection method: clinical testing. Allele origin: germline. Affected: no. Not counted in ClinVar's aggregate classification.

Ambry Genetics
Classification: Uncertain significance for Maturity-onset diabetes of the young. Last evaluated: 2016-11-08. Review status: criteria provided, single submitter. Criteria: Ambry Variant Classification Scheme 2023. Collection method: clinical testing. Allele origin: germline. Not counted in ClinVar's aggregate classification.
Comment: The c.155_156delGCinsCT variant (also known as p.G52A), located in coding exon 1 of the HNF1A gene, results from an in-frame deletion of GC and insertion of CT at nucleotide positions 155 to 156. This results in the substitution of the glycine residue for an alanine residue at codon 52, an amino acid with similar properties. Based on data from the Exome Aggregation Consortium (ExAC), the c.155_156delGCinsCT allele has an overall frequency of approximately 0.03% of total alleles studied, having been observed in 0.3% African alleles. In a study of African American families with type 2 diabetes, this alteration was present in two siblings with the disease as well as in their non-diabetic sibling (Elbein SC et al. Metab. Clin. Exp., 2000 Feb;49:280-4). In a study of 586 individuals with auto-antibody negative diabetes diagnosed before age 20, the p.G52A alteration (resulting from c.155G>C) was described in one individual; however, family history of diabetes was not part of the inclusion criteria and 20% of the patients positive for MODY alterations were African American (Pihoker C et al. J. Clin. Endocrinol. Metab., 2013 Oct;98:4055-62). This amino acid position is well conserved in available vertebrate species. Since supporting evidence is limited at this time, the clinical significance of this alteration remains unclear.

Clinical Genomics, Uppaluri K&H Personalized Medicine Clinic
Classification: Likely benign for Maturity-onset diabetes of the young. Review status: criteria provided, single submitter. Criteria: K & H Uppaluri Personalized Medicine Clinic Variant Classification & Assertion Criteria_Updated V.1. Collection method: research. Allele origin: unknown. Inheritance: Autosomal dominant inheritance. Not counted in ClinVar's aggregate classification.
Comment: Mutations in HNF1A gene can predispose to MODY3. It is associated with both micro and macrovascular complications of diabetes, especially cardiovascular complications. Associated with glucosuria. May respond well to sulfonylureas. Sufficient evidence is found to confer the association of this particular variant rs587778393 with MODY3.

PreventionGenetics, part of Exact Sciences
Classification: Likely benign for HNF1A-related condition. Last evaluated: 2023-02-28. Review status: no assertion criteria provided. Collection method: clinical testing. Allele origin: germline. Not counted in ClinVar's aggregate classification.
Comment: This variant is classified as likely benign based on ACMG/AMP sequence variant interpretation guidelines (Richards et al. 2015 PMID: 25741868, with internal and published modifications).

ITMI
No classification provided. Condition: AllHighlyPenetrant. Last evaluated: 2013-09-19. Review status: no classification provided. Collection method: reference population. Allele origin: germline. Not counted in ClinVar's aggregate classification.
Comment: Please see associated publication for description of ethnicities

Literature cited by the submitters: PubMed 10690959 (cited by Women's Health and Genetics/Laboratory Corporation of America, LabCorp and Ambry Genetics); PubMed 17563458 (cited by Women's Health and Genetics/Laboratory Corporation of America, LabCorp); PubMed 25555642 (cited by Women's Health and Genetics/Laboratory Corporation of America, LabCorp and Clinical Genomics, Uppaluri K&H Personalized Medicine Clinic); PubMed 23771925 (cited by Ambry Genetics); PubMed 24728327 (cited by ITMI).